The following is an entry in ClinVar:

NM_000262.3(NAGA):c.*1311T>C

Gene: NAGA (alpha-N-acetylgalactosaminidase; minus strand). Cytogenetic location: 22q13.2.
Variant type: single nucleotide variant.
Coding change: c.*1311T>C on transcript NM_000262.3 (MANE Select); 1311 bases downstream of the stop codon, T replaced by C.
Molecular consequence: 3 prime UTR variant.
Genome position (GRCh38, 1-based): chr22:42,058,968, A>G on the plus strand (T>C on the coding strand, the complement: NAGA is on the minus strand). VCF-style: chr22-42058968-A-G. GRCh37 (hg19) VCF-style: chr22-42454972-A-G.
Other names: c.*1311T>C (NM_001362848.1, NM_001362850.1).
Identifiers: ClinVar variation 900327 (VCV000900327.4), dbSNP rs185586436, ClinGen allele CA324648876.
Genomic context (GRCh38, chr22:42,058,968, plus strand): 5'-GACATCAACTGGGGAAAGGAACTTTCTCTGGTGACCCTATACTTAACCAGTAAAGCTTCA[A>G]TCATCTTAAATGATGTAACAAAATGTGCATATGTAAGTTTTTACACCATACCCTAAATAC-3'

ClinVar aggregate classification (germline): Likely benign. Review status: criteria provided, single submitter (1 of 4 stars). 2 submissions from 1 submitter: Likely benign (2). Last evaluated 2018-01-13.

Conditions:
Alpha-N-acetylgalactosaminidase deficiency type 2. Also called: ALPHA-N-ACETYLGALACTOSAMINIDASE DEFICIENCY, TYPE II; NAGA DEFICIENCY, TYPE II; SCHINDLER DISEASE, TYPE II. Identifiers: Orphanet 3137, Orphanet 79280, MedGen C1836522, MONDO:0012222, OMIM 609242.
Alpha-N-acetylgalactosaminidase deficiency type 1. Also called: SCHINDLER DISEASE, TYPE I; ALPHA-N-ACETYLGALACTOSAMINIDASE DEFICIENCY, TYPE I; NAGA DEFICIENCY, TYPE I; NEUROAXONAL DYSTROPHY, SCHINDLER TYPE. Identifiers: Orphanet 3137, Orphanet 79279, Orphanet 79281, MedGen C1836544, MONDO:0012221, OMIM 609241.

Allele frequency attached by ClinVar (database versions not stated): 1000 Genomes Project 0.00100; 1000 Genomes Project 30x 0.00109; gnomAD 0.00142 and 0.00153; TOPMed 0.00181.

Submissions (2):

Illumina Laboratory Services, Illumina
Classification: Likely benign for Alpha-N-acetylgalactosaminidase deficiency type 1. Last evaluated: 2018-01-13. Review status: criteria provided, single submitter. Criteria: ICSL Variant Classification Criteria 13 December 2019. Collection method: clinical testing. Allele origin: germline.
Comment: This variant was observed in the ICSL laboratory as part of a predisposition screen in an ostensibly healthy population. It had not been previously curated by ICSL or reported in the Human Gene Mutation Database (HGMD: prior to June 1st, 2018), and was therefore a candidate for classification through an automated scoring system. Utilizing variant allele frequency, disease prevalence and penetrance estimates, and inheritance mode, an automated score was calculated to assess if this variant is too frequent to cause the disease. Based on the score and internal cut-off values, a variant classified as likely benign is not then subjected to further curation. The score for this variant resulted in a classification of likely benign for this disease.

Illumina Laboratory Services, Illumina
Classification: Likely benign for Alpha-N-acetylgalactosaminidase deficiency type 2. Last evaluated: 2018-01-13. Review status: criteria provided, single submitter. Criteria: ICSL Variant Classification Criteria 13 December 2019. Collection method: clinical testing. Allele origin: germline.
Comment: the same text as in the submission from Illumina Laboratory Services, Illumina above.